The following is an entry in ClinVar:

ClinVar aggregate classification (germline): Conflicting classifications of pathogenicity. Review status: criteria provided, conflicting classifications (1 of 4 stars). 2 submissions from 2 submitters: Uncertain significance (1); Likely benign (1). Last evaluated 2024-08-19.

Conditions:
Cardiovascular phenotype. Identifiers: MedGen CN230736.
Familial hypobetalipoproteinemia 1. Also called: APOB-Related Familial Hypobetalipoproteinemia; Hypobetalipoproteinemia, normotriglyceridemic; Acanthocytosis with hypobetalipoproteinemia. Identifiers: MedGen C4551990, MONDO:0014252, OMIM 615558.
Hypercholesterolemia, autosomal dominant, type B (FHCL2). Also called: Hyperlipoproteinemia Type IIb; Familial Hypercholesterolemia Type B; APOLIPOPROTEIN B-100, FAMILIAL DEFECTIVE; APOLIPOPROTEIN B-100, FAMILIAL LIGAND-DEFECTIVE; HYPERCHOLESTEROLEMIA, FAMILIAL, DUE TO LIGAND-DEFECTIVE APOLIPOPROTEIN B; APOB-Related Familial Hypercholesterolemia, Autosomal Dominant. Identifiers: MedGen C1704417, MONDO:0007751, OMIM 144010.

Allele frequency attached by ClinVar (database versions not stated): gnomAD exomes 0.00001; ExAC 0.00002.
gnomAD v4.1: 11 of 1,613,994 alleles (0.00068%); highest among the groups gnomAD compares: South Asian, 0.0022%; no homozygotes.

Submissions (2):

Ambry Genetics
Classification: Uncertain significance for Cardiovascular phenotype. Last evaluated: 2024-08-19. Review status: criteria provided, single submitter. Criteria: Ambry Variant Classification Scheme 2023. Collection method: clinical testing. Allele origin: germline.
Comment: The p.A3780S variant (also known as c.11338G>T), located in coding exon 26 of the APOB gene, results from a G to T substitution at nucleotide position 11338. The alanine at codon 3780 is replaced by serine, an amino acid with similar properties. This amino acid position is conserved. In addition, this alteration is predicted to be tolerated by in silico analysis. Based on the available evidence, the clinical significance of this variant remains unclear.

Labcorp Genetics (formerly Invitae), Labcorp
Classification: Likely benign for Familial hypobetalipoproteinemia 1; Hypercholesterolemia, autosomal dominant, type B. Last evaluated: 2024-05-29. Review status: criteria provided, single submitter. Criteria: Invitae Variant Classification Sherloc (09022015). Collection method: clinical testing. Allele origin: germline.

NM_000384.3(APOB):c.11338G>T (p.Ala3780Ser)

Gene: APOB (apolipoprotein B; minus strand). Cytogenetic location: 2p24.1.
Variant type: single nucleotide variant.
Coding change: c.11338G>T on transcript NM_000384.3 (MANE Select); coding-DNA position 11338, G replaced by T.
Protein change: p.Ala3780Ser; replaces alanine 3780 with serine.
Molecular consequence: missense variant.
Genome position (GRCh38, 1-based): chr2:21,005,530, C>A on the plus strand (G>T on the coding strand, the complement: APOB is on the minus strand). VCF-style: chr2-21005530-C-A. GRCh37 (hg19) VCF-style: chr2-21228402-C-A.
Other names: c.11338G>T (NM_000384.2); short protein forms A3780S.
Identifiers: ClinVar variation 2149541 (VCV002149541.5), dbSNP rs781430883, ClinGen allele CA046333.